The following is an entry in ClinVar:

NM_020533.3(MCOLN1):c.502C>T (p.Arg168Trp)

Gene: MCOLN1 (mucolipin TRP cation channel 1; plus strand). Cytogenetic location: 19p13.2.
Variant type: single nucleotide variant.
Coding change: c.502C>T on transcript NM_020533.3 (MANE Select); coding-DNA position 502, C replaced by T.
Protein change: p.Arg168Trp; replaces arginine 168 with tryptophan.
Molecular consequence: missense variant.
Genome position (GRCh38, 1-based): chr19:7,526,857, C>T. VCF-style: chr19-7526857-C-T. GRCh37 (hg19) VCF-style: chr19-7591743-C-T.
Other names: short protein forms R168W.
Identifiers: ClinVar variation 1209624 (VCV001209624.5), dbSNP rs757301173, ClinGen allele CA9138747.

ClinVar aggregate classification (germline): Uncertain significance. Review status: criteria provided, multiple submitters, no conflicts (2 of 4 stars). 2 submissions from 2 submitters: Uncertain significance (2). Last evaluated 2022-07-25.

Conditions:
Mucolipidosis type IV (ML4). Also called: ML IV. Identifiers: Orphanet 578, MedGen C0238286, MONDO:0009653, OMIM 252650.

Allele frequency attached by ClinVar (database versions not stated): gnomAD 0.00001; gnomAD exomes 0.00002 and 0.00005; ExAC 0.00003.

Submissions (2):

Labcorp Genetics (formerly Invitae), Labcorp
Classification: Uncertain significance for Mucolipidosis type IV. Last evaluated: 2022-07-25. Review status: criteria provided, single submitter. Criteria: Invitae Variant Classification Sherloc (09022015). Collection method: clinical testing. Allele origin: germline.
Comment: This sequence change replaces arginine, which is basic and polar, with tryptophan, which is neutral and slightly polar, at codon 168 of the MCOLN1 protein (p.Arg168Trp). This variant is present in population databases (rs757301173, gnomAD 0.04%). This variant has not been reported in the literature in individuals affected with MCOLN1-related conditions. ClinVar contains an entry for this variant (Variation ID: 1209624). Algorithms developed to predict the effect of missense changes on protein structure and function are either unavailable or do not agree on the potential impact of this missense change (SIFT: "Tolerated"; PolyPhen-2: "Possibly Damaging"; Align-GVGD: "Class C0"). In summary, the available evidence is currently insufficient to determine the role of this variant in disease. Therefore, it has been classified as a Variant of Uncertain Significance.

Genome-Nilou Lab
Classification: Uncertain significance for Mucolipidosis type IV. Last evaluated: 2021-07-14. Review status: criteria provided, single submitter. Criteria: ACMG Guidelines, 2015. Collection method: clinical testing. Allele origin: germline. Affected: no.